The following is an entry in ClinVar:

NM_022114.4(PRDM16):c.3320G>A (p.Cys1107Tyr)

Gene: PRDM16 (PR/SET domain 16; plus strand). Cytogenetic location: 1p36.32.
Variant type: single nucleotide variant.
Coding change: c.3320G>A on transcript NM_022114.4 (MANE Select); coding-DNA position 3320, G replaced by A.
Protein change: p.Cys1107Tyr; replaces cysteine 1107 with tyrosine.
Molecular consequence: missense variant.
Genome position (GRCh38, 1-based): chr1:3,430,907, G>A. VCF-style: chr1-3430907-G-A. GRCh37 (hg19) VCF-style: chr1-3347471-G-A.
Other names: c.3320G>A, p.Cys1107Tyr (NM_199454.3); short protein forms C1107Y.
Identifiers: ClinVar variation 646244 (VCV000646244.8), dbSNP rs1220618976, ClinGen allele CA338003735.

ClinVar aggregate classification (germline): Uncertain significance (1 of 4 stars; one submission).

Conditions:
Left ventricular noncompaction 8 (LVNC8). Identifiers: Orphanet 154, Orphanet 54260, MedGen C3809288, MONDO:0014152, OMIM 615373.

Allele frequency attached by ClinVar (database versions not stated): gnomAD exomes 0.00001.
gnomAD v4.1: 3 of 1,614,150 alleles (0.00019%); highest among the groups gnomAD compares: African/African-American, 0.0013%; no homozygotes.

Submission:

Labcorp Genetics (formerly Invitae), Labcorp
Classification: Uncertain significance for Left ventricular noncompaction 8. Last evaluated: 2022-11-09. Review status: criteria provided, single submitter. Criteria: Invitae Variant Classification Sherloc (09022015). Collection method: clinical testing. Allele origin: germline.
Comment: In summary, the available evidence is currently insufficient to determine the role of this variant in disease. Therefore, it has been classified as a Variant of Uncertain Significance. Algorithms developed to predict the effect of missense changes on protein structure and function (SIFT, PolyPhen-2, Align-GVGD) all suggest that this variant is likely to be disruptive. ClinVar contains an entry for this variant (Variation ID: 646244). This variant has not been reported in the literature in individuals affected with PRDM16-related conditions. This variant is present in population databases (no rsID available, gnomAD 0.003%). This sequence change replaces cysteine, which is neutral and slightly polar, with tyrosine, which is neutral and polar, at codon 1107 of the PRDM16 protein (p.Cys1107Tyr).